The following is an entry in ClinVar:

ClinVar aggregate classification (germline): Uncertain significance. Review status: criteria provided, multiple submitters, no conflicts (2 of 4 stars). 2 submissions from 2 submitters: Uncertain significance (2). Last evaluated 2025-11-03.

Conditions:
Hereditary cancer-predisposing syndrome. Also called: Neoplastic Syndromes, Hereditary; Hereditary neoplastic syndrome; Hereditary Cancer Syndrome; Tumor predisposition. Identifiers: Orphanet 140162, MedGen C0027672, MeSH D009386, MONDO:0015356.

Allele frequency attached by ClinVar (database versions not stated): gnomAD exomes below 0.00001.
gnomAD v4.1: 4 of 1,613,928 alleles (0.00025%); highest among the groups gnomAD compares: Non-Finnish European, 0.00034%; no homozygotes.

Submissions (2):

Ambry Genetics
Classification: Uncertain significance for Hereditary cancer-predisposing syndrome. Last evaluated: 2025-11-03. Review status: criteria provided, single submitter. Criteria: Ambry Variant Classification Scheme 2023. Collection method: clinical testing. Allele origin: germline.
Comment: The p.L1116S variant (also known as c.3347T>C), located in coding exon 15 of the MET gene, results from a T to C substitution at nucleotide position 3347. The leucine at codon 1116 is replaced by serine, an amino acid with dissimilar properties. This amino acid position is conserved. In addition, the in silico prediction for this alteration is inconclusive. Since supporting evidence is limited at this time, the clinical significance of this alteration remains unclear.

GeneDx
Classification: Uncertain significance. Last evaluated: 2022-08-03. Review status: criteria provided, single submitter. Criteria: GeneDx Variant Classification Process June 2021. Collection method: clinical testing. Allele origin: germline. Affected: yes.
Comment: Not observed at significant frequency in large population cohorts (gnomAD); In silico analysis supports that this missense variant does not alter protein structure/function; Has not been previously published as pathogenic or benign to our knowledge

NM_000245.4(MET):c.3293T>C (p.Leu1098Ser)

Gene: MET (MET proto-oncogene, receptor tyrosine kinase; plus strand). Cytogenetic location: 7q31.2.
Variant type: single nucleotide variant.
Coding change: c.3293T>C on transcript NM_000245.4 (MANE Select); coding-DNA position 3293, T replaced by C.
Protein change: p.Leu1098Ser; replaces leucine 1098 with serine.
Molecular consequence: missense variant.
Genome position (GRCh38, 1-based): chr7:116,777,422, T>C. VCF-style: chr7-116777422-T-C. GRCh37 (hg19) VCF-style: chr7-116417476-T-C.
Other names: c.3347T>C, p.Leu1116Ser (NM_001127500.3); c.2003T>C, p.Leu668Ser (NM_001324402.2); short protein forms L1098S, L1116S, L668S.
Identifiers: ClinVar variation 2428812 (VCV002428812.5), dbSNP rs2485816106, ClinGen allele CA368989641.